The following is an entry in ClinVar:

ClinVar aggregate classification (germline): Uncertain significance. Review status: criteria provided, multiple submitters, no conflicts (2 of 4 stars). 2 submissions from 2 submitters: Uncertain significance (2). Last evaluated 2025-04-09.

Submissions (2):

Labcorp Genetics (formerly Invitae), Labcorp
Classification: Uncertain significance. Last evaluated: 2025-04-09. Review status: criteria provided, single submitter. Criteria: Invitae Variant Classification Sherloc (09022015). Collection method: clinical testing. Allele origin: germline.
Comment: This sequence change replaces arginine, which is basic and polar, with cysteine, which is neutral and slightly polar, at codon 430 of the FSCN2 protein (p.Arg430Cys). This variant is present in population databases (rs761410294, gnomAD 0.009%). This variant has not been reported in the literature in individuals affected with FSCN2-related conditions. ClinVar contains an entry for this variant (Variation ID: 1516626). An algorithm developed to predict the effect of missense changes on protein structure and function (PolyPhen-2) suggests that this variant is likely to be disruptive. In summary, the available evidence is currently insufficient to determine the role of this variant in disease. Therefore, it has been classified as a Variant of Uncertain Significance.

Ambry Genetics
Classification: Uncertain significance. Last evaluated: 2021-11-15. Review status: criteria provided, single submitter. Criteria: Ambry Variant Classification Scheme 2023. Collection method: clinical testing. Allele origin: germline.

NM_012418.4(FSCN2):c.1216C>T (p.Arg406Cys)

Gene: FSCN2 (fascin actin-bundling protein 2, retinal; plus strand). Cytogenetic location: 17q25.3.
Variant type: single nucleotide variant.
Coding change: c.1216C>T on transcript NM_012418.4 (MANE Select); coding-DNA position 1216, C replaced by T.
Protein change: p.Arg406Cys; replaces arginine 406 with cysteine.
Molecular consequence: missense variant.
Genome position (GRCh38, 1-based): chr17:81,536,732, C>T. VCF-style: chr17-81536732-C-T. GRCh37 (hg19) VCF-style: chr17-79503758-C-T.
Other names: c.1288C>T (NM_001077182.2); c.1288C>T, p.Arg430Cys (NM_001077182.3); short protein forms R430C, R406C.
Identifiers: ClinVar variation 1516626 (VCV001516626.9), dbSNP rs761410294, ClinGen allele CA8837041.
Genomic context (GRCh38, chr17:81,536,732, plus strand): 5'-CTGCGCGGCCTGGACGGCTTCGTCTGCCACCACCGCGGCTCCAACCAGCTGGACACCAAC[C>T]GCTCCGTCTACGACGTCTTCCACCTGAGCTTCAGCGACGGCGCCTACCGGATCCGAGGTG-3'
Protein context (NP_036550.1, residues 396-416): HRGSNQLDTN[Arg406Cys]SVYDVFHLSF